The following is an entry in ClinVar:

NM_006929.4(SKIC2):c.474dupG

Gene: SKIC2 (SKI2 subunit of superkiller complex; plus strand). Cytogenetic location: 6p21.33.
Variant type: Duplication.
Coding change: c.474dupG on transcript NM_006929.4; coding-DNA position 474, one base duplicated (G).
Genome position (GRCh38, 1-based): chr6:31,960,670, G duplicated; the last of 6 consecutive G bases (chr6:31,960,665-31,960,670); duplicating any one gives the same sequence. VCF-style (leftmost placement, unchanged base first): chr6-31960664-A-AG. GRCh37 (hg19) VCF-style: chr6-31928441-A-AG.
Identifiers: ClinVar variation 2977546 (VCV002977546.4), dbSNP rs750528095, ClinGen allele CA3729170.

ClinVar aggregate classification (germline): Pathogenic/Likely pathogenic. Review status: criteria provided, multiple submitters, no conflicts (2 of 4 stars). 2 submissions from 2 submitters: Pathogenic (1); Likely pathogenic (1). Last evaluated 2024-10-16.

Conditions:
SKIC2-related disorder. Also called: SKIC2-related condition.

Submissions (2):

PreventionGenetics, part of Exact Sciences
Classification: Likely pathogenic for SKIC2-related condition. Last evaluated: 2024-10-16. Review status: criteria provided, single submitter. Criteria: ACMG Guidelines, 2015. Collection method: clinical testing. Allele origin: germline.
Comment: The SKIC2 c.474dupG variant is predicted to result in a frameshift and premature protein termination (p.Met159Aspfs*3). To our knowledge, this variant has not been reported in the literature or in a large population database, indicating this variant is rare. Frameshift variants in SKIC2 are expected to be pathogenic. This variant is interpreted as likely pathogenic.

Labcorp Genetics (formerly Invitae), Labcorp
Classification: Pathogenic. Last evaluated: 2024-02-07. Review status: criteria provided, single submitter. Criteria: Invitae Variant Classification Sherloc (09022015). Collection method: clinical testing. Allele origin: germline.
Comment: This sequence change creates a premature translational stop signal (p.Met159Aspfs*3) in the SKIV2L gene. It is expected to result in an absent or disrupted protein product. Loss-of-function variants in SKIV2L are known to be pathogenic (PMID: 22444670). The frequency data for this variant in the population databases is considered unreliable, as metrics indicate poor data quality at this position in the gnomAD database. This variant has not been reported in the literature in individuals affected with SKIV2L-related conditions. Algorithms developed to predict the effect of sequence changes on RNA splicing suggest that this variant may disrupt the consensus splice site. For these reasons, this variant has been classified as Pathogenic.

Literature cited by the submitters: PubMed 22444670 (cited by Labcorp Genetics (formerly Invitae), Labcorp).